The following is an entry in ClinVar:

ClinVar aggregate classification (germline): Uncertain significance (1 of 4 stars; one submission).

Conditions:
Muscular dystrophy-dystroglycanopathy (congenital with brain and eye anomalies), type A9. Also called: WALKER-WARBURG SYNDROME OR MUSCLE-EYE BRAIN DISEASE, DAG1-RELATED; Muscular dystrophy-dystroglycanopathy (congenital with brain and eye anomalies), type a, 9. Identifiers: Orphanet 370997, Orphanet 899, MedGen C4225291, MONDO:0014683, OMIM 616538.
Autosomal recessive limb-girdle muscular dystrophy type 2P. Also called: MUSCULAR DYSTROPHY, LIMB-GIRDLE, TYPE 2P; Limb-Girdle Muscular Dystrophy Type 9C; MUSCULAR DYSTROPHY-DYSTROGLYCANOPATHY, LIMB-GIRDLE, DAG1-RELATED. Identifiers: Orphanet 280333, MedGen C4511963, MONDO:0013440, OMIM 613818.

Allele frequency attached by ClinVar (database versions not stated): TOPMed 0.00001.
gnomAD v4.1: 3 of 1,613,974 alleles (0.00019%); highest among the groups gnomAD compares: Non-Finnish European, 0.00017%; no homozygotes.

Submission:

Labcorp Genetics (formerly Invitae), Labcorp
Classification: Uncertain significance for Autosomal recessive limb-girdle muscular dystrophy type 2P; Muscular dystrophy-dystroglycanopathy (congenital with brain and eye anomalies), type A9. Last evaluated: 2022-05-06. Review status: criteria provided, single submitter. Criteria: Invitae Variant Classification Sherloc (09022015). Collection method: clinical testing. Allele origin: germline.
Comment: In summary, the available evidence is currently insufficient to determine the role of this variant in disease. Therefore, it has been classified as a Variant of Uncertain Significance. Algorithms developed to predict the effect of missense changes on protein structure and function are either unavailable or do not agree on the potential impact of this missense change (SIFT: "Deleterious"; PolyPhen-2: "Possibly Damaging"; Align-GVGD: "Class C0"). This variant has not been reported in the literature in individuals affected with DAG1-related conditions. This variant is present in population databases (no rsID available, gnomAD 0.0009%). This sequence change replaces serine, which is neutral and polar, with cysteine, which is neutral and slightly polar, at codon 835 of the DAG1 protein (p.Ser835Cys).

NM_004393.6(DAG1):c.2503A>T (p.Ser835Cys)

Gene: DAG1 (dystroglycan 1; plus strand). Cytogenetic location: 3p21.31.
Variant type: single nucleotide variant.
Coding change: c.2503A>T on transcript NM_004393.6 (MANE Select); coding-DNA position 2503, A replaced by T.
Protein change: p.Ser835Cys; replaces serine 835 with cysteine.
Molecular consequence: missense variant.
Genome position (GRCh38, 1-based): chr3:49,533,014, A>T. VCF-style: chr3-49533014-A-T. GRCh37 (hg19) VCF-style: chr3-49570447-A-T.
Other names: c.2503A>T, p.Ser835Cys (NM_001165928.4, NM_001177634.3, NM_001177635.3 and 9 more transcripts); short protein forms S835C.
Identifiers: ClinVar variation 1898362 (VCV001898362.5), dbSNP rs1247974786, ClinGen allele CA352798285.